The following is an entry in ClinVar:

NM_000138.5(FBN1):c.8068A>T (p.Met2690Leu)

Gene: FBN1 (fibrillin 1; minus strand). Cytogenetic location: 15q21.1.
Variant type: single nucleotide variant.
Coding change: c.8068A>T on transcript NM_000138.5 (MANE Select); coding-DNA position 8068, A replaced by T.
Protein change: p.Met2690Leu; replaces methionine 2690 with leucine.
Molecular consequence: missense variant.
Genome position (GRCh38, 1-based): chr15:48,412,727, T>A on the plus strand (A>T on the coding strand, the complement: FBN1 is on the minus strand). VCF-style: chr15-48412727-T-A. GRCh37 (hg19) VCF-style: chr15-48704924-T-A.
Other names: short protein forms M2690L.
Identifiers: ClinVar variation 923457 (VCV000923457.4), dbSNP rs2042873822, ClinGen allele CA392321610.

ClinVar aggregate classification (germline): Uncertain significance (1 of 4 stars; one submission).

Conditions:
Familial thoracic aortic aneurysm and aortic dissection (TAAD). Also called: Thoracic aortic aneurysms and dissections. Identifiers: Orphanet 91387, MedGen C4707243, MONDO:0019625.

Submission:

Color Diagnostics, LLC DBA Color Health
Classification: Uncertain significance for Familial thoracic aortic aneurysm and aortic dissection. Last evaluated: 2024-03-06. Review status: criteria provided, single submitter. Criteria: ACMG Guidelines, 2015. Collection method: clinical testing. Allele origin: germline.
Comment: This missense variant replaces methionine with leucine at codon 2690 of the FBN1 protein. Computational prediction suggests that this variant may not impact protein structure and function (internally defined REVEL score threshold <= 0.5, PMID: 27666373). Splice site prediction tools suggest that this variant may not impact RNA splicing. To our knowledge, functional studies have not been performed for this variant. This variant has not been reported in individuals affected with cardiovascular disorders in the literature. This variant has not been identified in the general population by the Genome Aggregation Database (gnomAD). The available evidence is insufficient to determine the role of this variant in disease conclusively. Therefore, this variant is classified as a Variant of Uncertain Significance.